The following is an entry in ClinVar:

NM_004606.5(TAF1):c.3127G>A (p.Gly1043Arg)

Gene: TAF1 (TATA-box binding protein associated factor 1; plus strand). Cytogenetic location: Xq13.1.
Variant type: single nucleotide variant.
Coding change: c.3127G>A on transcript NM_004606.5 (MANE Select); coding-DNA position 3127, G replaced by A.
Protein change: p.Gly1043Arg; replaces glycine 1043 with arginine.
Molecular consequence: missense variant. On other transcripts: non-coding transcript variant (9).
Genome position (GRCh38, 1-based): chrX:71,393,376, G>A. VCF-style: chrX-71393376-G-A. GRCh37 (hg19) VCF-style: chrX-70613226-G-A.
Other names: c.3127G>A, p.Gly1043Arg (NM_001286074.2, NM_001440852.1, NM_001440853.1); c.3064G>A, p.Gly1022Arg (NM_001440854.1, NM_138923.4); short protein forms G1022R, G1043R.
Identifiers: ClinVar variation 4813271 (VCV004813271.1).

ClinVar aggregate classification (germline): Uncertain significance (1 of 4 stars; one submission).

Submission:

GeneDx
Classification: Uncertain significance. Last evaluated: 2025-09-04. Review status: criteria provided, single submitter. Criteria: GeneDx Variant Classification Process June 2021. Collection method: clinical testing. Allele origin: germline. Affected: yes.
Comment: Not observed at significant frequency in large population cohorts (gnomAD); In silico analysis suggests that this missense variant does not alter protein structure/function; Has not been previously published as pathogenic or benign to our knowledge